The following is an entry in ClinVar:

NM_201384.3(PLEC):c.2163C>T (p.Asn721=)

Gene: PLEC (plectin; minus strand). Cytogenetic location: 8q24.3.
Variant type: single nucleotide variant.
Coding change: c.2163C>T on transcript NM_201384.3 (MANE Select); coding-DNA position 2163, C replaced by T.
Protein change: p.Asn721=; no amino-acid change (asparagine 721 retained).
Molecular consequence: synonymous variant.
Genome position (GRCh38, 1-based): chr8:143,931,952, G>A on the plus strand (C>T on the coding strand, the complement: PLEC is on the minus strand). VCF-style: chr8-143931952-G-A. GRCh37 (hg19) VCF-style: chr8-145006120-G-A.
Other names: c.2244C>T, p.Asn748= (NM_000445.5); c.2121C>T, p.Asn707= (NM_201378.4); c.2097C>T, p.Asn699= (NM_201379.3); c.2574C>T, p.Asn858= (NM_201380.4); c.2067C>T, p.Asn689= (NM_201381.3); c.2163C>T, p.Asn721= (NM_201382.4); c.2175C>T, p.Asn725= (NM_201383.3).
Identifiers: ClinVar variation 471550 (VCV000471550.34), dbSNP rs374712759, ClinGen allele CA4927637.

ClinVar aggregate classification (germline): Conflicting classifications of pathogenicity. Review status: criteria provided, conflicting classifications (1 of 4 stars). 6 submissions from 6 submitters: Uncertain significance (1); Likely benign (5). Last evaluated 2026-02-09.

Conditions:
Epidermolysis bullosa simplex, Ogna type (EBS5A). Also called: Pidermolysis bullosa simplex 5A, Ogna type; EPIDERMOLYSIS BULLOSA SIMPLEX 5A, OGNA TYPE. Identifiers: Orphanet 79401, MedGen C0432317, MONDO:0007555, OMIM 131950.
Autosomal recessive limb-girdle muscular dystrophy type 2Q (LGMDR17). Also called: MUSCULAR DYSTROPHY, LIMB-GIRDLE, AUTOSOMAL RECESSIVE 17. Identifiers: Orphanet 254361, MedGen C3150989, MONDO:0013390, OMIM 613723.
Epidermolysis bullosa simplex 5B, with muscular dystrophy (EBS5B). Also called: Epidermolysis bullosa simplex with muscular dystrophy; EPIDERMOLYSIS BULLOSA SIMPLEX AND LIMB-GIRDLE MUSCULAR DYSTROPHY. Identifiers: Orphanet 257, MedGen C2931072, MONDO:0009181, OMIM 226670.
Epidermolysis bullosa simplex with nail dystrophy (EBS5D). Identifiers: MedGen C4225309, MONDO:0014661, OMIM 616487.
Epidermolysis bullosa simplex 5C, with pyloric atresia (EBS5C). Also called: PLEC-Related Epidermolysis Bullosa with Pyloric Atresia; Epidermolysis bullosa simplex with pyloric atresia; PLEC1-Related Epidermolysis Bullosa with Pyloric Atresia. Identifiers: Orphanet 158684, MedGen C2677349, MONDO:0012807, OMIM 612138.
PLEC-related disorder. Also called: PLEC-related condition; PLEC-related disorders.

Allele frequency attached by ClinVar (database versions not stated): gnomAD exomes 0.00002 and 0.00005; ExAC 0.00006; gnomAD 0.00021 and 0.00022; TOPMed 0.00023; ESP Exome Variant Server 0.00024.
gnomAD v4.1: 76 of 1,606,846 alleles (0.0047%); highest among the groups gnomAD compares: African/African-American, 0.063%; 1 homozygote.

Submissions (6):

Women's Health and Genetics/Laboratory Corporation of America, LabCorp
Classification: Likely benign. Last evaluated: 2026-02-09. Review status: criteria provided, single submitter. Criteria: LabCorp Variant Classification Summary - May 2015. Collection method: clinical testing. Allele origin: germline.

Labcorp Genetics (formerly Invitae), Labcorp
Classification: Likely benign for Autosomal recessive limb-girdle muscular dystrophy type 2Q; Epidermolysis bullosa simplex, Ogna type; Epidermolysis bullosa simplex with nail dystrophy; Epidermolysis bullosa simplex 5C, with pyloric atresia; Epidermolysis bullosa simplex 5B, with muscular dystrophy. Last evaluated: 2026-01-21. Review status: criteria provided, single submitter. Criteria: Invitae Variant Classification Sherloc (09022015). Collection method: clinical testing. Allele origin: germline.

PreventionGenetics, part of Exact Sciences
Classification: Likely benign for PLEC-related condition. Last evaluated: 2026-01-08. Review status: criteria provided, single submitter. Criteria: ACMG Guidelines, 2015. Collection method: clinical testing. Allele origin: germline.
Comment: This variant is classified as likely benign based on ACMG/AMP sequence variant interpretation guidelines (Richards et al. 2015 PMID: 25741868, with internal and published modifications).

CeGaT Center for Human Genetics Tuebingen
Classification: Likely benign. Last evaluated: 2025-02-01. Review status: criteria provided, single submitter. Criteria: CeGaT Center For Human Genetics Tuebingen Variant Classification Criteria Version 2. Collection method: clinical testing. Allele origin: germline. Affected: yes. Observed: 1 variant allele.
Comment: PLEC: BP4, BP7

GeneDx
Classification: Likely benign. Last evaluated: 2018-10-30. Review status: criteria provided, single submitter. Criteria: GeneDx Variant Classification Process June 2021. Collection method: clinical testing. Allele origin: germline. Affected: yes.

Eurofins Ntd Llc (ga)
Classification: Uncertain significance. Last evaluated: 2017-01-05. Review status: criteria provided, single submitter. Criteria: EGL Classification Definitions 2015. Collection method: clinical testing. Allele origin: germline. Observed: 1 variant allele, 1 heterozygote.